The following is an entry in ClinVar:

ClinVar aggregate classification (germline): Uncertain significance (1 of 4 stars; one submission).

Allele frequency attached by ClinVar (database versions not stated): gnomAD exomes below 0.00001.
gnomAD v4.1: 2 of 1,551,698 alleles (0.00013%); highest among the groups gnomAD compares: Non-Finnish European, 0.00017%; no homozygotes.

Submission:

Labcorp Genetics (formerly Invitae), Labcorp
Classification: Uncertain significance. Last evaluated: 2022-01-28. Review status: criteria provided, single submitter. Criteria: Invitae Variant Classification Sherloc (09022015). Collection method: clinical testing. Allele origin: germline.
Comment: In summary, the available evidence is currently insufficient to determine the role of this variant in disease. Therefore, it has been classified as a Variant of Uncertain Significance. Algorithms developed to predict the effect of missense changes on protein structure and function are either unavailable or do not agree on the potential impact of this missense change (SIFT: "Deleterious"; PolyPhen-2: "Possibly Damaging"; Align-GVGD: "Class C0"). This variant has not been reported in the literature in individuals affected with EYS-related conditions. This variant is not present in population databases (gnomAD no frequency). This sequence change replaces glycine, which is neutral and non-polar, with aspartic acid, which is acidic and polar, at codon 2872 of the EYS protein (p.Gly2872Asp).

NM_001142800.2(EYS):c.8615G>A (p.Gly2872Asp)

Genes: EYS (EGF-like photoreceptor maintenance factor; minus strand), PHF3 (PHD finger protein 3; plus strand). Cytogenetic location: 6q12.
Variant type: single nucleotide variant.
Coding change: c.8615G>A on transcript NM_001142800.2 (MANE Select); coding-DNA position 8615, G replaced by A.
Protein change: p.Gly2872Asp; replaces glycine 2872 with aspartic acid.
Molecular consequence: missense variant. On other transcripts: 3 prime UTR variant (5).
Genome position (GRCh38, 1-based): chr6:63,721,416, C>T on the plus strand (G>A on the coding strand, the complement: EYS is on the minus strand). VCF-style: chr6-63721416-C-T. GRCh37 (hg19) VCF-style: chr6-64431312-C-T.
Other names: c.*7708C>T (NM_001290259.2, NM_001370348.2, NM_001370349.2 and 2 more transcripts); c.8678G>A, p.Gly2893Asp (NM_001292009.2); short protein forms G2872D, G2893D.
Identifiers: ClinVar variation 2090789 (VCV002090789.4), dbSNP rs2533390995, ClinGen allele CA364384366.